The following is an entry in ClinVar:

ClinVar aggregate classification (germline): Likely pathogenic (1 of 4 stars; one submission).

Conditions:
Fraser syndrome 1 (FRASRS1). Also called: CRYPTOPHTHALMOS WITH OTHER MALFORMATIONS. Identifiers: Orphanet 2052, MedGen C4551480, MONDO:0054737, OMIM 219000.

Submission:

Women's Health and Genetics/Laboratory Corporation of America, LabCorp
Classification: Likely pathogenic for Fraser syndrome 1. Last evaluated: 2023-02-24. Review status: criteria provided, single submitter. Criteria: LabCorp Variant Classification Summary - May 2015. Collection method: clinical testing. Allele origin: germline.
Comment: Variant summary: FREM2 c.8082dupT (p.Asp2695X) results in a premature termination codon, predicted to cause a truncation of the encoded protein or absence of the protein due to nonsense mediated decay, which are commonly known mechanisms for disease. Truncations downstream of this position have been classified as pathogenic in ClinVar. The variant was absent in 251334 control chromosomes (gnomAD). To our knowledge, no occurrence of c.8082dupT in individuals affected with Cryptophthalmos Syndrome and no experimental evidence demonstrating its impact on protein function have been reported. No clinical diagnostic laboratories have submitted clinical-significance assessments for this variant to ClinVar after 2014. Based on the evidence outlined above, the variant was classified as likely pathogenic.

NM_207361.6(FREM2):c.8082dup (p.Asp2695Ter)

Genes: FREM2 (FRAS1 related extracellular matrix 2; plus strand), LOC130009588 (ATAC-STARR-seq lymphoblastoid silent region 5274; plus strand). Cytogenetic location: 13q13.3.
Variant type: Duplication.
Coding change: c.8082dup on transcript NM_207361.6 (MANE Select); coding-DNA position 8082, one base duplicated (T; older notation c.8082dupT).
Protein change: p.Asp2695Ter; replaces aspartic acid 2695 with a stop codon.
Molecular consequence: nonsense.
Genome position (GRCh38, 1-based): chr13:38,872,840, T duplicated; the last of 4 consecutive T bases (chr13:38,872,837-38,872,840); duplicating any one gives the same sequence. VCF-style (leftmost placement, unchanged base first): chr13-38872836-A-AT. GRCh37 (hg19) VCF-style: chr13-39446973-A-AT.
Other names: c.8082dupT (NM_207361.5); short protein forms D2695*.
Identifiers: ClinVar variation 2445969 (VCV002445969.1), dbSNP rs2541504813, ClinGen allele CA2580087505.